The following is an entry in ClinVar:

NM_001374736.1(DST):c.109T>C (p.Cys37Arg)

Gene: DST (dystonin; minus strand). Cytogenetic location: 6p12.1.
Variant type: single nucleotide variant.
Coding change: c.109T>C on transcript NM_001374736.1 (MANE Select); coding-DNA position 109, T replaced by C.
Protein change: p.Cys37Arg; replaces cysteine 37 with arginine.
Molecular consequence: missense variant.
Genome position (GRCh38, 1-based): chr6:56,954,479, A>G on the plus strand (T>C on the coding strand, the complement: DST is on the minus strand). VCF-style: chr6-56954479-A-G. GRCh37 (hg19) VCF-style: chr6-56819277-A-G.
Other names: c.109T>C, p.Cys37Arg (NM_001144769.5, NM_001374722.1, NM_001374734.1); short protein forms C37R.
Identifiers: ClinVar variation 1791874 (VCV001791874.32), dbSNP rs376570486, ClinGen allele CA3872069.

ClinVar aggregate classification (germline): Uncertain significance. Review status: criteria provided, multiple submitters, no conflicts (2 of 4 stars). 3 submissions from 3 submitters: Uncertain significance (3). Last evaluated 2026-05-12.

Conditions:
DST-related disorder. Also called: DST-related condition; DST-related disorders.
Inborn genetic diseases. Identifiers: MedGen C0950123, MeSH D030342.

Allele frequency attached by ClinVar (database versions not stated): ExAC 0.00017; ESP Exome Variant Server 0.00087.

Submissions (3):

PreventionGenetics, part of Exact Sciences
Classification: Uncertain significance for DST-related condition. Last evaluated: 2026-05-12. Review status: criteria provided, single submitter. Criteria: ACMG Guidelines, 2015. Collection method: clinical testing. Allele origin: germline.
Comment: The DST c.109T>C variant is predicted to result in the amino acid substitution p.Cys37Arg. To our knowledge, this variant has not been reported in the literature. This variant is reported in 0.048% of alleles in individuals of European (non-Finnish) descent in gnomAD. At this time, the clinical significance of this variant is uncertain due to the absence of conclusive functional and genetic evidence.

Ambry Genetics
Classification: Uncertain significance for Inborn genetic diseases. Last evaluated: 2025-11-21. Review status: criteria provided, single submitter. Criteria: Ambry Variant Classification Scheme 2023. Collection method: clinical testing. Allele origin: germline.
Comment: The p.C37R variant (also known as c.109T>C), located in coding exon 1 of the DST gene, results from a T to C substitution at nucleotide position 109. The cysteine at codon 37 is replaced by arginine, an amino acid with highly dissimilar properties. This amino acid position is highly conserved in available vertebrate species. In addition, this alteration is predicted to be deleterious by in silico analysis. Since supporting evidence is limited at this time, the clinical significance of this alteration remains unclear.

CeGaT Center for Human Genetics Tuebingen
Classification: Uncertain significance. Last evaluated: 2022-11-01. Review status: criteria provided, single submitter. Criteria: CeGaT Center For Human Genetics Tuebingen Variant Classification Criteria Version 2. Collection method: clinical testing. Allele origin: germline. Affected: yes. Observed: 1 variant allele.
Comment: DST: PM2, PP3